The following is an entry in ClinVar:

ClinVar aggregate classification (germline): Uncertain significance (1 of 4 stars; one submission).

Conditions:
Pancytopenia-developmental delay syndrome. Also called: Bone marrow failure syndrome 2. Identifiers: Orphanet 401764, MedGen C3810350, MONDO:0014317, OMIM 615715.

Allele frequency attached by ClinVar (database versions not stated): gnomAD exomes below 0.00001; ExAC 0.00001; gnomAD 0.00001; ESP Exome Variant Server 0.00008.
gnomAD v4.1: 2 of 1,609,162 alleles (0.00012%); highest among the groups gnomAD compares: African/African-American, 0.0027%; no homozygotes.

Submission:

Baylor Genetics
Classification: Uncertain significance for Pancytopenia-developmental delay syndrome. Last evaluated: 2018-08-04. Review status: criteria provided, single submitter. Criteria: ACMG Guidelines, 2015. Collection method: clinical testing. Allele origin: paternal. Affected: yes.
Comment: This variant was determined to be of uncertain significance according to ACMG Guidelines, 2015 [PMID:25741868].

NM_020207.7(ERCC6L2):c.1097G>A (p.Gly366Asp)

Gene: ERCC6L2 (ERCC excision repair 6 like 2; plus strand). Cytogenetic location: 9q22.32.
Variant type: single nucleotide variant.
Coding change: c.1097G>A on transcript NM_020207.7 (MANE Select); coding-DNA position 1097, G replaced by A.
Protein change: p.Gly366Asp; replaces glycine 366 with aspartic acid.
Molecular consequence: missense variant. On other transcripts: non-coding transcript variant (1).
Genome position (GRCh38, 1-based): chr9:95,916,373, G>A. VCF-style: chr9-95916373-G-A. GRCh37 (hg19) VCF-style: chr9-98678655-G-A.
Other names: c.1097G>A, p.Gly366Asp (NM_001010895.4, NM_001375291.1, NM_001375292.1 and 2 more transcripts); short protein forms G366D.
Identifiers: ClinVar variation 1032068 (VCV001032068.1), dbSNP rs140078259, ClinGen allele CA5139451.